The following is an entry in ClinVar:

ClinVar aggregate classification (germline): Conflicting classifications of pathogenicity. Review status: criteria provided, conflicting classifications (1 of 4 stars). 4 submissions from 4 submitters: Uncertain significance (1); Benign (1); Likely benign (1). 1 of the submissions does not count toward it. Last evaluated 2026-02-01.

Conditions:
PLEC-related disorder. Also called: PLEC-related disorders; PLEC-related condition.
Autosomal recessive limb-girdle muscular dystrophy type 2Q (LGMDR17). Also called: MUSCULAR DYSTROPHY, LIMB-GIRDLE, AUTOSOMAL RECESSIVE 17. Identifiers: Orphanet 254361, MedGen C3150989, MONDO:0013390, OMIM 613723.
Epidermolysis bullosa simplex with nail dystrophy (EBS5D). Identifiers: MedGen C4225309, MONDO:0014661, OMIM 616487.
Epidermolysis bullosa simplex 5C, with pyloric atresia (EBS5C). Also called: Epidermolysis bullosa simplex with pyloric atresia; PLEC-Related Epidermolysis Bullosa with Pyloric Atresia; PLEC1-Related Epidermolysis Bullosa with Pyloric Atresia. Identifiers: Orphanet 158684, MedGen C2677349, MONDO:0012807, OMIM 612138.
Epidermolysis bullosa simplex, Ogna type (EBS5A). Also called: Pidermolysis bullosa simplex 5A, Ogna type; EPIDERMOLYSIS BULLOSA SIMPLEX 5A, OGNA TYPE. Identifiers: Orphanet 79401, MedGen C0432317, MONDO:0007555, OMIM 131950.
Epidermolysis bullosa simplex 5B, with muscular dystrophy (EBS5B). Also called: EPIDERMOLYSIS BULLOSA SIMPLEX AND LIMB-GIRDLE MUSCULAR DYSTROPHY; Epidermolysis bullosa simplex with muscular dystrophy. Identifiers: Orphanet 257, MedGen C2931072, MONDO:0009181, OMIM 226670.

Allele frequency attached by ClinVar (database versions not stated): gnomAD exomes 0.00011 and 0.00023; gnomAD 0.00012 and 0.00015; 1000 Genomes Project 0.00020; TOPMed 0.00020; ExAC 0.00027; 1000 Genomes Project 30x 0.00047.
gnomAD v4.1: 183 of 1,605,718 alleles (0.011%); highest among the groups gnomAD compares: East Asian, 0.35%; no homozygotes.

Submissions (4):

Labcorp Genetics (formerly Invitae), Labcorp
Classification: Benign for Autosomal recessive limb-girdle muscular dystrophy type 2Q; Epidermolysis bullosa simplex, Ogna type; Epidermolysis bullosa simplex with nail dystrophy; Epidermolysis bullosa simplex 5C, with pyloric atresia; Epidermolysis bullosa simplex 5B, with muscular dystrophy. Last evaluated: 2026-02-01. Review status: criteria provided, single submitter. Criteria: Invitae Variant Classification Sherloc (09022015). Collection method: clinical testing. Allele origin: germline.

Blueprint Genetics
Classification: Likely benign. Last evaluated: 2024-11-26. Review status: criteria provided, single submitter. Criteria: ACMG Guidelines, 2015. Collection method: clinical testing. Allele origin: germline.

Eurofins Ntd Llc (ga)
Classification: Uncertain significance. Last evaluated: 2017-01-18. Review status: criteria provided, single submitter. Criteria: EGL Classification Definitions 2015. Collection method: clinical testing. Allele origin: germline. Observed: 2 variant alleles, 2 heterozygotes.

PreventionGenetics, part of Exact Sciences
Classification: Likely benign for PLEC-related condition. Last evaluated: 2022-04-06. Review status: no assertion criteria provided. Collection method: clinical testing. Allele origin: germline. Not counted in ClinVar's aggregate classification.
Comment: This variant is classified as likely benign based on ACMG/AMP sequence variant interpretation guidelines (Richards et al. 2015 PMID: 25741868, with internal and published modifications).

NM_201384.3(PLEC):c.13470C>T (p.Arg4490=)

Gene: PLEC (plectin; minus strand). Cytogenetic location: 8q24.3.
Variant type: single nucleotide variant.
Coding change: c.13470C>T on transcript NM_201384.3 (MANE Select); coding-DNA position 13470, C replaced by T.
Protein change: p.Arg4490=; no amino-acid change (arginine 4490 retained).
Molecular consequence: synonymous variant.
Genome position (GRCh38, 1-based): chr8:143,916,351, G>A on the plus strand (C>T on the coding strand, the complement: PLEC is on the minus strand). VCF-style: chr8-143916351-G-A. GRCh37 (hg19) VCF-style: chr8-144990519-G-A.
Other names: c.13551C>T, p.Arg4517= (NM_000445.5); c.13428C>T, p.Arg4476= (NM_201378.4); c.13404C>T, p.Arg4468= (NM_201379.3); c.13881C>T, p.Arg4627= (NM_201380.4); c.13374C>T, p.Arg4458= (NM_201381.3); c.13470C>T, p.Arg4490= (NM_201382.4); c.13482C>T, p.Arg4494= (NM_201383.3).
Identifiers: ClinVar variation 287389 (VCV000287389.20), dbSNP rs531535217, ClinGen allele CA4923796.